The following is an entry in ClinVar:

ClinVar aggregate classification (germline): Uncertain significance (1 of 4 stars; one submission).

Submission:

Dasa
Classification: Uncertain significance. Last evaluated: 2025-10-17. Review status: criteria provided, single submitter. Criteria: DASA Assertion Criteria. Collection method: clinical testing. Allele origin: germline.
Comment: NM_002427.4(MMP13):c.408G>C (p.Lys136Asn) is a missense variant that results in the substitution of lysine with asparagine. This variant is absent from population databases. Computational prediction algorithms are consistent with a benign effect. The currently available literature and clinical evidence are not sufficient to establish a definitive association between this variant and the reported condition. Therefore, this variant is classified as a variant of uncertain significance.

NM_002427.4(MMP13):c.408G>C (p.Lys136Asn)

Gene: MMP13 (matrix metallopeptidase 13; minus strand). Cytogenetic location: 11q22.2.
Variant type: single nucleotide variant.
Coding change: c.408G>C on transcript NM_002427.4 (MANE Select); coding-DNA position 408, G replaced by C.
Protein change: p.Lys136Asn; replaces lysine 136 with asparagine.
Molecular consequence: missense variant.
Genome position (GRCh38, 1-based): chr11:102,954,561, C>G on the plus strand (G>C on the coding strand, the complement: MMP13 is on the minus strand). VCF-style: chr11-102954561-C-G. GRCh37 (hg19) VCF-style: chr11-102825290-C-G.
Other names: short protein forms K136N.
Identifiers: ClinVar variation 5020828 (VCV005020828.1).
Genomic context (GRCh38, chr11:102,954,561, plus strand): 5'-AAGTCTGGTAAAATTCAGAGGAGTTACATCGGACCAAACTTTGAAGGCTTTTTTGAATGC[C>G]TTTTCGACTTCAGAATGAGTCATATCAGGGGTGTAATTCACAATTCTATTTAACAGAGAA-3'
Protein context (NP_002418.1, residues 126-146): TPDMTHSEVE[Lys136Asn]AFKKAFKVWS